The following is an entry in ClinVar:

NM_001032283.3(TMPO):c.565+1584G>T

Gene: TMPO (thymopoietin; plus strand). Cytogenetic location: 12q23.1.
Variant type: single nucleotide variant.
Coding change: c.565+1584G>T on transcript NM_001032283.3 (MANE Select); 1584 bases into the intron after coding-DNA position 565, G replaced by T.
Molecular consequence: intron variant. On other transcripts: missense variant (1).
Genome position (GRCh38, 1-based): chr12:98,533,422, G>T. VCF-style: chr12-98533422-G-T. GRCh37 (hg19) VCF-style: chr12-98927200-G-T.
Other names: c.1165G>T, p.Gly389Trp (NM_003276.2); c.565+1584G>T (NM_001307975.2, NM_001032284.3); short protein forms G389W.
Identifiers: ClinVar variation 1738130 (VCV001738130.6), dbSNP rs147002330, ClinGen allele CA242224722.

ClinVar aggregate classification (germline): Uncertain significance. Review status: criteria provided, multiple submitters, no conflicts (2 of 4 stars). 2 submissions from 2 submitters: Uncertain significance (2). Last evaluated 2024-10-28.

Conditions:
Loeys-Dietz syndrome 2 (LDS2). Also called: TGFBR2-Related Loeys-Dietz Syndrome; Marfan Syndrome type 2; Marfan like connective tissue disorder; MFS 2; AORTIC ANEURYSM, FAMILIAL THORACIC 3; MARFAN SYNDROME, TYPE II. Identifiers: Orphanet 284973, Orphanet 558, MedGen C2674574, MONDO:0012427, OMIM 610168.

gnomAD v4.1: 2 of 1,614,042 alleles (0.00012%); highest among the groups gnomAD compares: African/African-American, 0.0013%; no homozygotes.

Submissions (2):

Ambry Genetics
Classification: Uncertain significance. Last evaluated: 2024-10-28. Review status: criteria provided, single submitter. Criteria: Ambry Variant Classification Scheme 2023. Collection method: clinical testing. Allele origin: germline.
Comment: The p.G389W variant (also known as c.1165G>T), located in coding exon 4 of the TMPO gene, results from a G to T substitution at nucleotide position 1165. The glycine at codon 389 is replaced by tryptophan, an amino acid with highly dissimilar properties. This amino acid position is conserved. In addition, the in silico prediction for this alteration is inconclusive. Since supporting evidence is limited at this time, the clinical significance of this alteration remains unclear.

Labcorp Genetics (formerly Invitae), Labcorp
Classification: Uncertain significance for Loeys-Dietz syndrome 2. Last evaluated: 2023-09-21. Review status: criteria provided, single submitter. Criteria: Invitae Variant Classification Sherloc (09022015). Collection method: clinical testing. Allele origin: germline.
Comment: In summary, the available evidence is currently insufficient to determine the role of this variant in disease. Therefore, it has been classified as a Variant of Uncertain Significance. Advanced modeling of protein sequence and biophysical properties (such as structural, functional, and spatial information, amino acid conservation, physicochemical variation, residue mobility, and thermodynamic stability) performed at Invitae indicates that this missense variant is not expected to disrupt TMPO protein function. ClinVar contains an entry for this variant (Variation ID: 1738130). This variant has not been reported in the literature in individuals affected with TMPO-related conditions. The frequency data for this variant in the population databases is considered unreliable, as metrics indicate poor data quality at this position in the gnomAD database. This sequence change replaces glycine, which is neutral and non-polar, with tryptophan, which is neutral and slightly polar, at codon 389 of the TMPO protein (p.Gly389Trp).